The following is an entry in ClinVar:

NM_000069.3(CACNA1S):c.1898C>G (p.Pro633Arg)

Gene: CACNA1S (calcium voltage-gated channel subunit alpha1 S; minus strand). Cytogenetic location: 1q32.1.
Variant type: single nucleotide variant.
Coding change: c.1898C>G on transcript NM_000069.3 (MANE Select); coding-DNA position 1898, C replaced by G.
Protein change: p.Pro633Arg; replaces proline 633 with arginine.
Molecular consequence: missense variant.
Genome position (GRCh38, 1-based): chr1:201,075,545, G>C on the plus strand (C>G on the coding strand, the complement: CACNA1S is on the minus strand). VCF-style: chr1-201075545-G-C. GRCh37 (hg19) VCF-style: chr1-201044673-G-C.
Other names: short protein forms P633R.
Identifiers: ClinVar variation 2197278 (VCV002197278.4), dbSNP rs368632935, ClinGen allele CA078654.
Genomic context (GRCh38, chr1:201,075,545, plus strand): 5'-GAGAGGATACAGTTGCCACAGACGAAAAGGATGATGAAGTAAATGCACACAAGCATGCCA[G>C]GGTAGGACGGCCCGCCGTAGGCCATGATCCCATTGTACATCATTGAGGTCCAGTCTTCCC-3'
Protein context (NP_000060.2, residues 623-643): GIMAYGGPSY[Pro633Arg]GMLVCIYFII

ClinVar aggregate classification (germline): Uncertain significance (1 of 4 stars; one submission).

Conditions:
Malignant hyperthermia, susceptibility to, 5 (MHS5). Also called: CACNA1S-Related Malignant Hyperthermia Susceptibility. Identifiers: Orphanet 423, MedGen C1866077, MONDO:0011163, OMIM 601887.
Hypokalemic periodic paralysis, type 1. Also called: Hypokalemic Periodic Paralysis Type 1 (AD); HypoPP. Identifiers: Orphanet 681, MedGen C3714580, MONDO:0042979, OMIM 170400.

Allele frequency attached by ClinVar (database versions not stated): gnomAD exomes below 0.00001; ExAC 0.00001; ESP Exome Variant Server 0.00008.
gnomAD v4.1: 6 of 1,613,840 alleles (0.00037%); highest among the groups gnomAD compares: Non-Finnish European, 0.00042%; no homozygotes.

Submission:

Labcorp Genetics (formerly Invitae), Labcorp
Classification: Uncertain significance for Hypokalemic periodic paralysis, type 1; Malignant hyperthermia, susceptibility to, 5. Last evaluated: 2022-08-31. Review status: criteria provided, single submitter. Criteria: Invitae Variant Classification Sherloc (09022015). Collection method: clinical testing. Allele origin: germline.
Comment: This variant is present in population databases (rs368632935, gnomAD 0.0009%). This sequence change replaces proline, which is neutral and non-polar, with arginine, which is basic and polar, at codon 633 of the CACNA1S protein (p.Pro633Arg). This variant has not been reported in the literature in individuals affected with CACNA1S-related conditions. Algorithms developed to predict the effect of missense changes on protein structure and function are either unavailable or do not agree on the potential impact of this missense change (SIFT: "Tolerated"; PolyPhen-2: "Probably Damaging"; Align-GVGD: "Class C0"). In summary, the available evidence is currently insufficient to determine the role of this variant in disease. Therefore, it has been classified as a Variant of Uncertain Significance.